The following is an entry in ClinVar:

ClinVar aggregate classification (germline): Conflicting classifications of pathogenicity. Review status: criteria provided, conflicting classifications (1 of 4 stars). 4 submissions from 4 submitters: Uncertain significance (3); Likely benign (1). Last evaluated 2026-03-01.

Conditions:
Inborn genetic diseases. Identifiers: MedGen C0950123, MeSH D030342.
Developmental and epileptic encephalopathy, 31A. Also called: Epileptic encephalopathy, early infantile, 31; Developmental and epileptic encephalopathy, 31. Identifiers: Orphanet 2382, MedGen C4225357, MONDO:0014598, OMIM 616346.

Allele frequency attached by ClinVar (database versions not stated): gnomAD 0.00001; ExAC 0.00002; gnomAD exomes 0.00002; TOPMed 0.00003.
gnomAD v4.1: 8 of 1,614,026 alleles (0.0005%); highest among the groups gnomAD compares: Admixed American, 0.013%; no homozygotes.

Submissions (4):

CeGaT Center for Human Genetics Tuebingen
Classification: Uncertain significance. Last evaluated: 2026-03-01. Review status: criteria provided, single submitter. Criteria: CeGaT Center For Human Genetics Tuebingen Variant Classification Criteria Version 2. Collection method: clinical testing. Allele origin: germline. Affected: yes. Observed: 1 variant allele.
Comment: DNM1: PP2

Labcorp Genetics (formerly Invitae), Labcorp
Classification: Uncertain significance for Developmental and epileptic encephalopathy, 31A. Last evaluated: 2026-01-05. Review status: criteria provided, single submitter. Criteria: Invitae Variant Classification Sherloc (09022015). Collection method: clinical testing. Allele origin: germline.
Comment: This sequence change replaces aspartic acid, which is acidic and polar, with glutamic acid, which is acidic and polar, at codon 726 of the DNM1 protein (p.Asp726Glu). This variant is present in population databases (rs745835138, gnomAD 0.02%). This variant has not been reported in the literature in individuals affected with DNM1-related conditions. ClinVar contains an entry for this variant (Variation ID: 514138). Invitae Evidence Modeling of protein sequence and biophysical properties (such as structural, functional, and spatial information, amino acid conservation, physicochemical variation, residue mobility, and thermodynamic stability) indicates that this missense variant is not expected to disrupt DNM1 protein function with a negative predictive value of 80%. In summary, the available evidence is currently insufficient to determine the role of this variant in disease. Therefore, it has been classified as a Variant of Uncertain Significance.

Ambry Genetics
Classification: Uncertain significance for Inborn genetic diseases. Last evaluated: 2025-03-17. Review status: criteria provided, single submitter. Criteria: Ambry Variant Classification Scheme 2023. Collection method: clinical testing. Allele origin: germline.
Comment: Unlikely to be causative of DNM1-related developmental and epileptic encephalopathy (AD) Based on insufficient or conflicting evidence, the clinical significance of this alteration remains unclear.

GeneDx
Classification: Likely benign. Last evaluated: 2017-12-19. Review status: criteria provided, single submitter. Criteria: GeneDx Variant Classification (06012015). Collection method: clinical testing. Allele origin: germline. Affected: yes.
Comment: This variant is considered likely benign or benign based on one or more of the following criteria: it is a conservative change, it occurs at a poorly conserved position in the protein, it is predicted to be benign by multiple in silico algorithms, and/or has population frequency not consistent with disease.

NM_004408.4(DNM1):c.2178C>A (p.Asp726Glu)

Gene: DNM1 (dynamin 1; plus strand). Cytogenetic location: 9q34.11.
Variant type: single nucleotide variant.
Coding change: c.2178C>A on transcript NM_004408.4 (MANE Select); coding-DNA position 2178, C replaced by A.
Protein change: p.Asp726Glu; replaces aspartic acid 726 with glutamic acid.
Molecular consequence: missense variant.
Genome position (GRCh38, 1-based): chr9:128,250,216, C>A. VCF-style: chr9-128250216-C-A. GRCh37 (hg19) VCF-style: chr9-131012495-C-A.
Other names: c.2178C>A, p.Asp726Glu (NM_001005336.3, NM_001288737.2, NM_001288738.2 and 1 more transcripts); short protein forms D726E.
Identifiers: ClinVar variation 514138 (VCV000514138.15), dbSNP rs745835138, ClinGen allele CA5258428.